The following is an entry in ClinVar:

ClinVar aggregate classification (germline): Uncertain significance (1 of 4 stars; one submission).

Conditions:
Familial cancer of breast. Also called: hereditary breast carcinoma; BREAST CANCER, FAMILIAL; Hereditary breast cancer. Identifiers: Orphanet 227535, MedGen C0346153, MONDO:0016419, OMIM 114480. Disease mechanism: loss of function.

gnomAD v4.1: 1 of 1,613,726 alleles (0.000062%); no homozygotes.

Submission:

Labcorp Genetics (formerly Invitae), Labcorp
Classification: Uncertain significance for Familial cancer of breast. Last evaluated: 2024-05-15. Review status: criteria provided, single submitter. Criteria: Invitae Variant Classification Sherloc (09022015). Collection method: clinical testing. Allele origin: germline.
Comment: This sequence change replaces leucine, which is neutral and non-polar, with phenylalanine, which is neutral and non-polar, at codon 1070 of the PALB2 protein (p.Leu1070Phe). This variant is not present in population databases (gnomAD no frequency). This variant has not been reported in the literature in individuals affected with PALB2-related conditions. An algorithm developed to predict the effect of missense changes on protein structure and function (PolyPhen-2) suggests that this variant is likely to be disruptive. Algorithms developed to predict the effect of sequence changes on RNA splicing suggest that this variant may disrupt the consensus splice site. In summary, the available evidence is currently insufficient to determine the role of this variant in disease. Therefore, it has been classified as a Variant of Uncertain Significance.

NM_024675.4(PALB2):c.3208C>T (p.Leu1070Phe)

Gene: PALB2 (partner and localizer of BRCA2; minus strand). Cytogenetic location: 16p12.2.
Variant type: single nucleotide variant.
Coding change: c.3208C>T on transcript NM_024675.4 (MANE Select); coding-DNA position 3208, C replaced by T.
Protein change: p.Leu1070Phe; replaces leucine 1070 with phenylalanine.
Molecular consequence: missense variant. On other transcripts: intron variant (8).
Genome position (GRCh38, 1-based): chr16:23,608,006, G>A on the plus strand (C>T on the coding strand, the complement: PALB2 is on the minus strand). VCF-style: chr16-23608006-G-A. GRCh37 (hg19) VCF-style: chr16-23619327-G-A.
Other names: c.3148C>T, p.Leu1050Phe (NM_001407296.1); c.3136C>T, p.Leu1046Phe (NM_001407297.1); c.3046C>T, p.Leu1016Phe (NM_001407298.1); c.2929C>T, p.Leu977Phe (NM_001407300.1); c.2323C>T, p.Leu775Phe (NM_001407304.1, NM_001407305.1, NM_001407306.1); c.2161C>T, p.Leu721Phe (NM_001407307.1); c.1420C>T, p.Leu474Phe (NM_001407312.1); c.742C>T, p.Leu248Phe (NM_001407314.1); and 6 more; short protein forms L775F, L977F, L1016F, L474F, L1046F, L1050F, L1070F, L248F.
Identifiers: ClinVar variation 3653431 (VCV003653431.2).
Genomic context (GRCh38, chr16:23,608,006, plus strand): 5'-ACACAGGGCTTCGCAACGACTCACTCTCTTTGGCACAGGGATGACTCAGGACAATAAAGA[G>A]AAGCCCCTAATTTCGGAGAAAAATAAATATCCCAAATAGACTGTCAAGAGTATGTCAGGA-3'
Protein context (NP_078951.2, residues 1060-1080): CHKAYSEMGL[Leu1070Phe]FIVLSHPCAK